The following is an entry in ClinVar:

NM_007294.4(BRCA1):c.5010A>T (p.Arg1670Ser)

Gene: BRCA1 (BRCA1 DNA repair associated; minus strand). Cytogenetic location: 17q21.31.
Variant type: single nucleotide variant.
Coding change: c.5010A>T on transcript NM_007294.4 (MANE Select); coding-DNA position 5010, A replaced by T.
Protein change: p.Arg1670Ser; replaces arginine 1670 with serine.
Molecular consequence: missense variant. On other transcripts: non-coding transcript variant (1).
Genome position (GRCh38, 1-based): chr17:43,067,672, T>A on the plus strand (A>T on the coding strand, the complement: BRCA1 is on the minus strand). VCF-style: chr17-43067672-T-A. GRCh37 (hg19) VCF-style: chr17-41219689-T-A.
Other names: c.5010A>T, p.Arg1670Ser (NM_001407602.1, NM_001407603.1, NM_001407605.1 and 8 more transcripts); c.5007A>T, p.Arg1669Ser (NM_001407610.1, NM_001407611.1, NM_001407612.1 and 17 more transcripts); c.5004A>T, p.Arg1668Ser (NM_001407627.1, NM_001407628.1, NM_001407629.1 and 14 more transcripts); c.5001A>T, p.Arg1667Ser (NM_001407644.1, NM_001407645.1); c.4998A>T, p.Arg1666Ser (NM_001407646.1); c.4995A>T, p.Arg1665Ser (NM_001407647.1); c.4953A>T, p.Arg1651Ser (NM_001407648.1); c.4950A>T, p.Arg1650Ser (NM_001407649.1); and 70 more; short protein forms R566S, R1670S, R1623S, R1691S, R1542S, R1559S, R1598S, R1601S.
Identifiers: ClinVar variation 867533 (VCV000867533.4), dbSNP rs777828258, ClinGen allele CA10591499.

ClinVar aggregate classification (germline): Uncertain significance (1 of 4 stars; one submission).

Conditions:
Breast-ovarian cancer, familial, susceptibility to, 1 (BROVCA1). Also called: BRCA1 Hereditary Breast and Ovarian Cancer; OVARIAN CANCER, SUSCEPTIBILITY TO. Identifiers: Orphanet 145, MedGen C2676676, MONDO:0011450, OMIM 604370. Disease mechanism: loss of function.

Submissions (2):

Baylor Genetics
Classification: Uncertain significance for Breast-ovarian cancer, familial, susceptibility to, 1. Last evaluated: 2023-10-05. Review status: criteria provided, single submitter. Criteria: ACMG Guidelines, 2015. Collection method: clinical testing. Allele origin: unknown.

Brotman Baty Institute, University of Washington
No classification provided (evidence only). Condition: Breast-ovarian cancer, familial 1. Review status: no classification provided. Collection method: in vitro. Allele origin: not applicable. Functional consequence: function_uncertain_variant. Not counted in ClinVar's aggregate classification.
ClinVar note: "not provided" was previously submitted as the classification for the variant. However, the classification appeared to be based only on an observation of functional data so it was converted to no classification on 2025-07-30.